The following is an entry in ClinVar:

ClinVar aggregate classification (germline): Likely pathogenic. Review status: criteria provided, multiple submitters, no conflicts (2 of 4 stars). 4 submissions from 3 submitters: Likely pathogenic (2). 2 of the submissions do not count toward it. Last evaluated 2026-09-08.

Conditions:
Fabry disease. Also called: ALPHA-GALACTOSIDASE A DEFICIENCY; ANDERSON-FABRY DISEASE; CERAMIDE TRIHEXOSIDASE DEFICIENCY; Fabry's disease; Angiokeratoma corporis diffusum; Ceramide trihexosidosis. Identifiers: Orphanet 324, MedGen C0002986, MONDO:0010526, OMIM 301500, HP:0001071. Disease mechanism: loss of function, Fabry disease is due to inactivating mutations in the X-linked GLA gene resulting in deficiency of the enzyme Alpha Galactosidase-A..
Migalastat response. Also called: 1-Deoxygalactonojirimycin response; Galafold response. Identifiers: MedGen CN233149.

Allele frequency attached by ClinVar (database versions not stated): gnomAD 0.00001.
gnomAD v4.1: 1 of 1,209,858 alleles (0.000083%); highest among the groups gnomAD compares: Non-Finnish European, 0.00011%; no homozygotes.

Submissions (4):

Genomenon, Inc
Classification: Likely pathogenic for Fabry disease. Last evaluated: 2026-09-08. Review status: criteria provided, single submitter. Criteria: Genomenon Sequence Variant Interpretation Standards - Updated. Collection method: curation. Allele origin: germline. Affected: yes.
Comment: GLA p.Leu21Pro (c.62T>C) is a missense variant that changes the amino acid at codon 21 from Leucine to Proline. This variant has been observed in at least one proband with clinical features consistent with Fabry disease (PMID:25395255;26415523;30038331). At least one functional study has demonstrated a substantial alteration in protein function relative to the wild-type (PMID:32023956;26415523;27657681). It is absent or not present at a significant frequency in gnomAD. In silico models predict that this variant is possibly or probably damaging. In conclusion, we classify GLA p.Leu21Pro (c.62T>C) as a likely pathogenic variant.

Labcorp Genetics (formerly Invitae), Labcorp
Classification: Likely pathogenic for Fabry disease. Last evaluated: 2019-04-01. Review status: criteria provided, single submitter. Criteria: Invitae Variant Classification Sherloc (09022015). Collection method: clinical testing. Allele origin: germline.
Comment: For these reasons, this allele has been classified as Likely Pathogenic. This variant has been reported to affect GLA protein function (PMID: 26415523). This variant has been observed in individuals affected with GLA-related conditions (PMID: 26415523, 30038331, Invitae). ClinVar contains an entry for this variant (Variation ID: 217374). This variant is not present in population databases (ExAC no frequency). This sequence change replaces leucine with proline at codon 21 of the GLA protein (p.Leu21Pro). The leucine residue is weakly conserved and there is a moderate physicochemical difference between leucine and proline.

Albrecht-Kossel-Institute, Medical University Rostock
Classification: Pathogenic for Fabry's disease. Last evaluated: 2014-01-01. Review status: no assertion criteria provided. Collection method: research. Allele origin: inherited. Not counted in ClinVar's aggregate classification.

Albrecht-Kossel-Institute, Medical University Rostock
Classification: drug response for deoxygalactonojirimycin response. Last evaluated: 2014-01-01. Review status: no assertion criteria provided. Collection method: research. Allele origin: inherited. Not counted in ClinVar's aggregate classification.

Literature cited by the submitters: PubMed 25395255 (cited by Genomenon, Inc); PubMed 26415523 (cited by 3 submitters); PubMed 30038331 (cited by Genomenon, Inc and Labcorp Genetics (formerly Invitae), Labcorp); PubMed 32023956 (cited by Genomenon, Inc); PubMed 27657681 (cited by Genomenon, Inc).

NM_000169.3(GLA):c.62T>C (p.Leu21Pro)

Genes: GLA (galactosidase alpha; minus strand), RPL36A-HNRNPH2 (RPL36A-HNRNPH2 readthrough; plus strand). Cytogenetic location: Xq22.1.
Variant type: single nucleotide variant.
Coding change: c.62T>C on transcript NM_000169.3 (MANE Select); coding-DNA position 62, T replaced by C.
Protein change: p.Leu21Pro; replaces leucine 21 with proline.
Molecular consequence: missense variant. On other transcripts: non-coding transcript variant (3), intron variant (2).
Genome position (GRCh38, 1-based): chrX:101,407,842, A>G on the plus strand (T>C on the coding strand, the complement: GLA is on the minus strand). VCF-style: chrX-101407842-A-G. GRCh37 (hg19) VCF-style: chrX-100662830-A-G.
Other names: c.62T>C, p.Leu21Pro (NM_001406747.1, NM_001406748.1, NM_001406749.1); c.301-4094A>G (NM_001199973.2); c.178-4094A>G (NM_001199974.2); short protein forms L21P.
Identifiers: ClinVar variation 217374 (VCV000217374.11), dbSNP rs869312135, ClinGen allele CA353214.
Genomic context (GRCh38, chrX:101,407,842, plus strand): 5'-GTAGGCGTCCTTGCCAATCCATTGTCCAGTGCTCTAGCCCCAGGGATGTCCCAGGAAACG[A>G]GGGCCAGGAAGCGAAGCGCAAGCGCGCAGCCCAGATGTAGTTCTGGGTTCCTCAGCTGCA-3'
Protein context (NP_000160.1, residues 11-31): GCALALRFLA[Leu21Pro]VSWDIPGARA